The following is an entry in ClinVar:

ClinVar aggregate classification (germline): Uncertain significance (1 of 4 stars; one submission).

Allele frequency attached by ClinVar (database versions not stated): gnomAD exomes 0.00001; ExAC 0.00002.
gnomAD v4.1: 4 of 1,614,252 alleles (0.00025%); highest among the groups gnomAD compares: East Asian, 0.0067%; no homozygotes.

Submission:

Labcorp Genetics (formerly Invitae), Labcorp
Classification: Uncertain significance. Last evaluated: 2022-08-09. Review status: criteria provided, single submitter. Criteria: Invitae Variant Classification Sherloc (09022015). Collection method: clinical testing. Allele origin: germline.
Comment: In summary, the available evidence is currently insufficient to determine the role of this variant in disease. Therefore, it has been classified as a Variant of Uncertain Significance. This sequence change replaces glutamic acid, which is acidic and polar, with glycine, which is neutral and non-polar, at codon 1351 of the FAT2 protein (p.Glu1351Gly). This variant is present in population databases (rs772071595, gnomAD 0.02%). This variant has not been reported in the literature in individuals affected with FAT2-related conditions. Algorithms developed to predict the effect of missense changes on protein structure and function (SIFT, PolyPhen-2, Align-GVGD) all suggest that this variant is likely to be disruptive.

NM_001447.3(FAT2):c.4052A>G (p.Glu1351Gly)

Genes: FAT2 (FAT atypical cadherin 2; minus strand), SLC36A1 (solute carrier family 36 member 1; plus strand). Cytogenetic location: 5q33.1.
Variant type: single nucleotide variant.
Coding change: c.4052A>G on transcript NM_001447.3 (MANE Select); coding-DNA position 4052, A replaced by G.
Protein change: p.Glu1351Gly; replaces glutamic acid 1351 with glycine.
Molecular consequence: missense variant.
Genome position (GRCh38, 1-based): chr5:151,553,281, T>C on the plus strand (A>G on the coding strand, the complement: FAT2 is on the minus strand). VCF-style: chr5-151553281-T-C. GRCh37 (hg19) VCF-style: chr5-150932842-T-C.
Other names: short protein forms E1351G.
Identifiers: ClinVar variation 1939010 (VCV001939010.5), dbSNP rs772071595, ClinGen allele CA3521658.